The following is an entry in ClinVar:

ClinVar aggregate classification (germline): Uncertain significance (1 of 4 stars; one submission).

Allele frequency attached by ClinVar (database versions not stated): ExAC 0.00001; TOPMed 0.00003; gnomAD 0.00004; ESP Exome Variant Server 0.00015.
gnomAD v4.1: 9 of 1,613,870 alleles (0.00056%); highest among the groups gnomAD compares: African/African-American, 0.0093%; no homozygotes.

Submission:

Labcorp Genetics (formerly Invitae), Labcorp
Classification: Uncertain significance. Last evaluated: 2023-11-27. Review status: criteria provided, single submitter. Criteria: Invitae Variant Classification Sherloc (09022015). Collection method: clinical testing. Allele origin: germline.
Comment: This sequence change replaces threonine, which is neutral and polar, with proline, which is neutral and non-polar, at codon 755 of the VLDLR protein (p.Thr755Pro). This variant is present in population databases (rs112189006, gnomAD 0.007%). This variant has not been reported in the literature in individuals affected with VLDLR-related conditions. ClinVar contains an entry for this variant (Variation ID: 2190891). Algorithms developed to predict the effect of missense changes on protein structure and function output the following: SIFT: "Not Available"; PolyPhen-2: "Benign"; Align-GVGD: "Not Available". The proline amino acid residue is found in multiple mammalian species, which suggests that this missense change does not adversely affect protein function. In summary, the available evidence is currently insufficient to determine the role of this variant in disease. Therefore, it has been classified as a Variant of Uncertain Significance.

NM_003383.5(VLDLR):c.2263A>C (p.Thr755Pro)

Gene: VLDLR (very low density lipoprotein receptor; plus strand). Cytogenetic location: 9p24.2.
Variant type: single nucleotide variant.
Coding change: c.2263A>C on transcript NM_003383.5 (MANE Select); coding-DNA position 2263, A replaced by C.
Protein change: p.Thr755Pro; replaces threonine 755 with proline.
Molecular consequence: missense variant. On other transcripts: intron variant (2).
Genome position (GRCh38, 1-based): chr9:2,651,426, A>C. VCF-style: chr9-2651426-A-C. GRCh37 (hg19) VCF-style: chr9-2651426-A-C.
Other names: c.2140A>C, p.Thr714Pro (NM_001322225.2); c.2252-448A>C (NM_001018056.3); c.2129-448A>C (NM_001322226.2); short protein forms T714P, T755P.
Identifiers: ClinVar variation 2190891 (VCV002190891.4), dbSNP rs112189006, ClinGen allele CA4965127.